The following is an entry in ClinVar:

ClinVar aggregate classification (germline): Uncertain significance. Review status: criteria provided, multiple submitters, no conflicts (2 of 4 stars). 2 submissions from 2 submitters: Uncertain significance (2). Last evaluated 2026-01-19.

Conditions:
Hypertrophic cardiomyopathy. Also called: HYPERTROPHIC MYOCARDIOPATHY. Identifiers: Orphanet 217569, MedGen C0007194, MeSH D002312, MONDO:0005045, HP:0001639.

Allele frequency attached by ClinVar (database versions not stated): gnomAD 0.00001; ExAC 0.00002; gnomAD exomes 0.00002 and 0.00005; ESP Exome Variant Server 0.00008.
gnomAD v4.1: 68 of 1,613,796 alleles (0.0042%); highest among the groups gnomAD compares: Non-Finnish European, 0.0052%; no homozygotes.

Submissions (2):

Labcorp Genetics (formerly Invitae), Labcorp
Classification: Uncertain significance for Hypertrophic cardiomyopathy. Last evaluated: 2026-01-19. Review status: criteria provided, single submitter. Criteria: Invitae Variant Classification Sherloc (09022015). Collection method: clinical testing. Allele origin: germline.
Comment: This sequence change replaces aspartic acid, which is acidic and polar, with asparagine, which is neutral and polar, at codon 1211 of the MYOM1 protein (p.Asp1211Asn). This variant is present in population databases (rs375099753, gnomAD 0.004%). This variant has not been reported in the literature in individuals affected with MYOM1-related conditions. ClinVar contains an entry for this variant (Variation ID: 663084). Invitae Evidence Modeling of protein sequence and biophysical properties (such as structural, functional, and spatial information, amino acid conservation, physicochemical variation, residue mobility, and thermodynamic stability) indicates that this missense variant is not expected to disrupt MYOM1 protein function with a negative predictive value of 80%. In summary, the available evidence is currently insufficient to determine the role of this variant in disease. Therefore, it has been classified as a Variant of Uncertain Significance.

Ambry Genetics
Classification: Uncertain significance. Last evaluated: 2025-07-21. Review status: criteria provided, single submitter. Criteria: Ambry Variant Classification Scheme 2023. Collection method: clinical testing. Allele origin: germline.
Comment: The p.D1211N variant (also known as c.3631G>A), located in coding exon 23 of the MYOM1 gene, results from a G to A substitution at nucleotide position 3631. The aspartic acid at codon 1211 is replaced by asparagine, an amino acid with highly similar properties. This amino acid position is conserved. In addition, this alteration is predicted to be tolerated by in silico analysis. Since supporting evidence is limited at this time, the clinical significance of this alteration remains unclear.

NM_003803.4(MYOM1):c.3631G>A (p.Asp1211Asn)

Gene: MYOM1 (myomesin 1; minus strand). Cytogenetic location: 18p11.31.
Variant type: single nucleotide variant.
Coding change: c.3631G>A on transcript NM_003803.4 (MANE Select); coding-DNA position 3631, G replaced by A.
Protein change: p.Asp1211Asn; replaces aspartic acid 1211 with asparagine.
Molecular consequence: missense variant.
Genome position (GRCh38, 1-based): chr18:3,100,371, C>T on the plus strand (G>A on the coding strand, the complement: MYOM1 is on the minus strand). VCF-style: chr18-3100371-C-T. GRCh37 (hg19) VCF-style: chr18-3100369-C-T.
Other names: c.3343G>A, p.Asp1115Asn (NM_019856.2); short protein forms D1115N, D1211N.
Identifiers: ClinVar variation 663084 (VCV000663084.12), dbSNP rs375099753, ClinGen allele CA8874232.